The following is an entry in ClinVar:

ClinVar aggregate classification (germline): Likely benign (0 of 4 stars; one submission).

Conditions:
EPPK1-related disorder. Also called: EPPK1-related condition.

Allele frequency attached by ClinVar (database versions not stated): ESP Exome Variant Server 0.00024; gnomAD exomes 0.00041; gnomAD 0.00048; TOPMed 0.00058; ExAC 0.00082; 1000 Genomes Project 30x 0.00141; 1000 Genomes Project 0.00160.
gnomAD v4.1: 686 of 1,613,256 alleles (0.043%); highest among the groups gnomAD compares: East Asian, 0.59%; 4 homozygotes.

Submission:

PreventionGenetics, part of Exact Sciences
Classification: Likely benign for EPPK1-related condition. Last evaluated: 2021-05-04. Review status: no assertion criteria provided. Collection method: clinical testing. Allele origin: germline.
Comment: This variant is classified as likely benign based on ACMG/AMP sequence variant interpretation guidelines (Richards et al. 2015 PMID: 25741868, with internal and published modifications).

NM_031308.4(EPPK1):c.5121C>T (p.Cys1707=)

Gene: EPPK1 (epiplakin 1; minus strand). Cytogenetic location: 8q24.3.
Variant type: single nucleotide variant.
Coding change: c.5121C>T on transcript NM_031308.4 (MANE Select); coding-DNA position 5121, C replaced by T.
Protein change: p.Cys1707=; no amino-acid change (cysteine 1707 retained).
Molecular consequence: synonymous variant.
Genome position (GRCh38, 1-based): chr8:143,868,133, G>A on the plus strand (C>T on the coding strand, the complement: EPPK1 is on the minus strand). VCF-style: chr8-143868133-G-A. GRCh37 (hg19) VCF-style: chr8-144942301-G-A.
Identifiers: ClinVar variation 3047950 (VCV003047950.2), dbSNP rs200410147, ClinGen allele CA4922252.
Genomic context (GRCh38, chr8:143,868,133, plus strand): 5'-GCCCTTGGTGTCGTCGCTGGGGTCCGCCAGGATGCGGTTCATCTCCTCGTCGAAGTAGCC[G>A]CAGCGGTAGGCCACGTCCACGGGCACGCGGTGGCTGTGCACGGGGTCGATGATGCCGCCC-3'
Protein context (NP_112598.3, residues 1697-1717): HRVPVDVAYR[Cys1707=]GYFDEEMNRI